The following is an entry in ClinVar:

NM_001946.4(DUSP6):c.117C>A (p.Cys39Ter)

Genes: DUSP6 (dual specificity phosphatase 6; minus strand), POC1B-DUSP6 (POC1B-DUSP6 readthrough; minus strand). Cytogenetic location: 12q21.33.
Variant type: single nucleotide variant.
Coding change: c.117C>A on transcript NM_001946.4 (MANE Select); coding-DNA position 117, C replaced by A.
Protein change: p.Cys39Ter; replaces cysteine 39 with a stop codon.
Molecular consequence: nonsense.
Genome position (GRCh38, 1-based): chr12:89,351,923, G>T on the plus strand (C>A on the coding strand, the complement: DUSP6 is on the minus strand). VCF-style: chr12-89351923-G-T. GRCh37 (hg19) VCF-style: chr12-89745700-G-T.
Other names: c.117C>A, p.Cys39Ter (NM_022652.4); short protein forms C39*.
Identifiers: ClinVar variation 1033462 (VCV001033462.2), dbSNP rs1879213059, ClinGen allele CA385990914.
Genomic context (GRCh38, chr12:89,351,923, plus strand): 5'-CGGGATGGCCACGTTGATGGCCGACTCGATGTGCGACGACTCGTATAGCTCCTGCGGCCG[G>T]CAGTCCATCAGCAGCAGCCGCTCGTTGCCCAGCTCCAGCTGCTCGTTGAGCCACGCCACC-3'

ClinVar aggregate classification (germline): Pathogenic (1 of 4 stars; one submission).

Conditions:
Hypogonadotropic hypogonadism 19 with or without anosmia (HH19). Also called: HYPOGONADOTROPIC HYPOGONADISM 19 WITH ANOSMIA; HYPOGONADOTROPIC HYPOGONADISM 19 WITH ANOSMIA, SUSCEPTIBILITY TO; HYPOGONADOTROPIC HYPOGONADISM 19 WITHOUT ANOSMIA. Identifiers: Orphanet 478, MedGen C3808981, MONDO:0014105, OMIM 615269.

Submission:

Baylor Genetics
Classification: Pathogenic for Hypogonadotropic hypogonadism 19 with or without anosmia. Last evaluated: 2018-04-05. Review status: criteria provided, single submitter. Criteria: ACMG Guidelines, 2015. Collection method: clinical testing. Allele origin: unknown. Affected: yes.
Comment: This variant was determined to be pathogenic according to ACMG Guidelines, 2015 [PMID:25741868].